The following is an entry in ClinVar:

ClinVar aggregate classification (germline): Uncertain significance. Review status: criteria provided, multiple submitters, no conflicts (2 of 4 stars). 2 submissions from 2 submitters: Uncertain significance (2). Last evaluated 2024-12-19.

Conditions:
Inborn genetic diseases. Identifiers: MedGen C0950123, MeSH D030342.

gnomAD v4.1: 1 of 1,611,854 alleles (0.000062%); no homozygotes.

Submissions (2):

Ambry Genetics
Classification: Uncertain significance for Inborn genetic diseases. Last evaluated: 2024-12-19. Review status: criteria provided, single submitter. Criteria: Ambry Variant Classification Scheme 2023. Collection method: clinical testing. Allele origin: germline.
Comment: The p.H18P variant (also known as c.53A>C), located in coding exon 1 of the SAMD9L gene, results from an A to C substitution at nucleotide position 53. The histidine at codon 18 is replaced by proline, an amino acid with similar properties. This amino acid position is conserved. In addition, the in silico prediction for this alteration is inconclusive. Based on the available evidence, the clinical significance of this variant remains unclear.

Labcorp Genetics (formerly Invitae), Labcorp
Classification: Uncertain significance. Last evaluated: 2022-07-06. Review status: criteria provided, single submitter. Criteria: Invitae Variant Classification Sherloc (09022015). Collection method: clinical testing. Allele origin: germline.
Comment: Algorithms developed to predict the effect of missense changes on protein structure and function are either unavailable or do not agree on the potential impact of this missense change (SIFT: "Not Available"; PolyPhen-2: "Possibly Damaging"; Align-GVGD: "Not Available"). In summary, the available evidence is currently insufficient to determine the role of this variant in disease. Therefore, it has been classified as a Variant of Uncertain Significance. This variant has not been reported in the literature in individuals affected with SAMD9L-related conditions. ClinVar contains an entry for this variant (Variation ID: 1395224). This sequence change replaces histidine, which is basic and polar, with proline, which is neutral and non-polar, at codon 18 of the SAMD9L protein (p.His18Pro). This variant is not present in population databases (gnomAD no frequency).

NM_152703.5(SAMD9L):c.53A>C (p.His18Pro)

Gene: SAMD9L (sterile alpha motif domain containing 9 like; minus strand). Cytogenetic location: 7q21.2.
Variant type: single nucleotide variant.
Coding change: c.53A>C on transcript NM_152703.5 (MANE Select); coding-DNA position 53, A replaced by C.
Protein change: p.His18Pro; replaces histidine 18 with proline.
Molecular consequence: missense variant.
Genome position (GRCh38, 1-based): chr7:93,135,919, T>G on the plus strand (A>C on the coding strand, the complement: SAMD9L is on the minus strand). VCF-style: chr7-93135919-T-G. GRCh37 (hg19) VCF-style: chr7-92765232-T-G.
Other names: c.53A>C, p.His18Pro (NM_001303496.3, NM_001303497.3, NM_001303498.3 and 5 more transcripts); c.53A>C (NM_152703.2); short protein forms H18P.
Identifiers: ClinVar variation 1395224 (VCV001395224.9), dbSNP rs775639821, ClinGen allele CA368207010.